The following is an entry in ClinVar:

NM_006267.5(RANBP2):c.4372A>G (p.Lys1458Glu)

Gene: RANBP2 (RAN binding protein 2; plus strand). Cytogenetic location: 2q13.
Variant type: single nucleotide variant.
Coding change: c.4372A>G on transcript NM_006267.5 (MANE Select); coding-DNA position 4372, A replaced by G.
Protein change: p.Lys1458Glu; replaces lysine 1458 with glutamic acid.
Molecular consequence: missense variant.
Genome position (GRCh38, 1-based): chr2:108,764,911, A>G. VCF-style: chr2-108764911-A-G. GRCh37 (hg19) VCF-style: chr2-109381367-A-G.
Other names: short protein forms K1458E.
Identifiers: ClinVar variation 1385773 (VCV001385773.9), dbSNP rs2149275579, ClinGen allele CA348066407.
Genomic context (GRCh38, chr2:108,764,911, plus strand): 5'-TGTCAGAATACAAAATCTGCTAACAAAAGTGGATCTTCATTTGTTCATCAAGCTTCATTT[A>G]AATTTGGCCAGGGAGATCTTCCTAAACCTATTAACAGTGATTTCAGATCTGTTTTTTCTA-3'
Protein context (NP_006258.3, residues 1448-1468): GSSFVHQASF[Lys1458Glu]FGQGDLPKPI

ClinVar aggregate classification (germline): Uncertain significance (1 of 4 stars; one submission).

Conditions:
Familial acute necrotizing encephalopathy (IIAE3). Also called: ENCEPHALOPATHY, ACUTE, INFECTION-INDUCED, SUSCEPTIBILITY TO, 3; Susceptibility to Acute Necrotizing Encephalopathy 1. Identifiers: Orphanet 88619, MedGen C2675556, MONDO:0011953, OMIM 608033.

Submission:

Labcorp Genetics (formerly Invitae), Labcorp
Classification: Uncertain significance for Familial acute necrotizing encephalopathy. Last evaluated: 2022-01-06. Review status: criteria provided, single submitter. Criteria: Invitae Variant Classification Sherloc (09022015). Collection method: clinical testing. Allele origin: germline.
Comment: In summary, the available evidence is currently insufficient to determine the role of this variant in disease. Therefore, it has been classified as a Variant of Uncertain Significance. Algorithms developed to predict the effect of missense changes on protein structure and function are either unavailable or do not agree on the potential impact of this missense change (SIFT: "Tolerated"; PolyPhen-2: "Possibly Damaging"; Align-GVGD: "Class C0"). This variant has not been reported in the literature in individuals affected with RANBP2-related conditions. This variant is not present in population databases (gnomAD no frequency). This sequence change replaces lysine, which is basic and polar, with glutamic acid, which is acidic and polar, at codon 1458 of the RANBP2 protein (p.Lys1458Glu).